The following is an entry in ClinVar:

ClinVar aggregate classification (germline): Conflicting classifications of pathogenicity. Review status: criteria provided, conflicting classifications (1 of 4 stars). 2 submissions from 2 submitters: Likely pathogenic (1); Uncertain significance (1). Last evaluated 2025-06-30.

Conditions:
Hypotonia, infantile, with psychomotor retardation and characteristic facies 1 (INNFD). Identifiers: Orphanet 371364, Orphanet 700336, MedGen C3809454, MONDO:0024567, OMIM 615419.

Submissions (2):

GeneDx
Classification: Uncertain significance. Last evaluated: 2025-06-30. Review status: criteria provided, single submitter. Criteria: GeneDx Variant Classification Process June 2021. Collection method: clinical testing. Allele origin: germline. Affected: yes.
Comment: In silico analysis supports that this missense variant has a deleterious effect on protein structure/function; Not observed at significant frequency in large population cohorts (gnomAD); Has not been previously published as pathogenic or benign to our knowledge

Molecular Genetics Laboratory, Motol Hospital
Classification: Likely pathogenic for Hypotonia, infantile, with psychomotor retardation and characteristic facies 1. Last evaluated: 2024-12-06. Review status: criteria provided, single submitter. Criteria: ACMG Guidelines, 2015. Collection method: clinical testing. Allele origin: de novo. Affected: yes. Observed: 1 variant allele.
Comment: This variant was found in a compound heterozygosity, in trans, with a recurrent pathogenic variant NM_052867.4(NALCN):c.2524C>T. Biallelic variants affecting the NALCN gene are documented as a molecular cause of autosomal recessive "infantile hypotonia with psychomotor retardation and characteristic facies-1" (IHPRF1, OMIM:615419) (PMID:24075186;23749988;29168298). To conclude, the variant is classified as likely pathogenic (ACMG PM3, PP3, PM2, PP2).

Literature cited by the submitters: PubMed 24075186 (cited by Molecular Genetics Laboratory, Motol Hospital); PubMed 23749988 (cited by Molecular Genetics Laboratory, Motol Hospital); PubMed 29168298 (cited by Molecular Genetics Laboratory, Motol Hospital).

NM_052867.4(NALCN):c.4073G>A (p.Gly1358Asp)

Gene: NALCN (sodium leak channel, non-selective; minus strand). Cytogenetic location: 13q32.3.
Variant type: single nucleotide variant.
Coding change: c.4073G>A on transcript NM_052867.4 (MANE Select); coding-DNA position 4073, G replaced by A.
Protein change: p.Gly1358Asp; replaces glycine 1358 with aspartic acid.
Molecular consequence: missense variant.
Genome position (GRCh38, 1-based): chr13:101,074,544, C>T on the plus strand (G>A on the coding strand, the complement: NALCN is on the minus strand). VCF-style: chr13-101074544-C-T. GRCh37 (hg19) VCF-style: chr13-101726895-C-T.
Other names: c.4160G>A, p.Gly1387Asp (NM_001350748.2); c.4073G>A, p.Gly1358Asp (NM_001350749.2); c.3986G>A, p.Gly1329Asp (NM_001350750.2, NM_001350751.2); c.4073G>A (NM_052867.2); short protein forms G1329D, G1358D, G1387D.
Identifiers: ClinVar variation 3383971 (VCV003383971.3).